The following is an entry in ClinVar:

ClinVar aggregate classification (germline): Conflicting classifications of pathogenicity. Review status: criteria provided, conflicting classifications (1 of 4 stars). 4 submissions from 4 submitters: Uncertain significance (3); Likely benign (1). Last evaluated 2026-04-09.

Conditions:
Hereditary cancer-predisposing syndrome. Also called: Hereditary Cancer Syndrome; Hereditary neoplastic syndrome; Tumor predisposition; Neoplastic Syndromes, Hereditary. Identifiers: Orphanet 140162, MedGen C0027672, MeSH D009386, MONDO:0015356.
Hereditary diffuse gastric adenocarcinoma (HDGC). Also called: DIFFUSE GASTRIC AND LOBULAR BREAST CANCER SYNDROME. Identifiers: Orphanet 26106, MedGen C1708349, MONDO:0007648, OMIM 137215.

gnomAD v4.1: 6 of 1,614,156 alleles (0.00037%); highest among the groups gnomAD compares: East Asian, 0.013%; no homozygotes.

Submissions (4):

Women's Health and Genetics/Laboratory Corporation of America, LabCorp
Classification: Uncertain significance. Last evaluated: 2026-04-09. Review status: criteria provided, single submitter. Criteria: LabCorp Variant Classification Summary - May 2015. Collection method: clinical testing. Allele origin: germline.
Comment: Variant summary: CDH1 c.1612G>A (p.Asp538Asn) results in a conservative amino acid change in the encoded protein sequence. Algorithms developed to predict the effect of missense changes on protein structure and function are either unavailable or do not agree on the potential impact of this missense change. The variant was absent in 251482 control chromosomes (gnomAD). The available data on variant occurrences in the general population are insufficient to allow any conclusion about variant significance. c.1612G>A has been observed in individual affected with Breast Cancer, as well as unaffected controls (e.g. Momozawa_2018, Togashi_2025). These reports do not provide unequivocal conclusions about association of the variant with Breast Cancer. To our knowledge, no experimental evidence demonstrating an impact on protein function has been reported. The following publications have been ascertained in the context of this evaluation (PMID: 30287823, 39831988). ClinVar contains an entry for this variant (Variation ID: 1172248). Based on the evidence outlined above, the variant was classified as uncertain significance.

Labcorp Genetics (formerly Invitae), Labcorp
Classification: Uncertain significance for Hereditary diffuse gastric adenocarcinoma. Last evaluated: 2025-12-18. Review status: criteria provided, single submitter. Criteria: Invitae Variant Classification Sherloc (09022015). Collection method: clinical testing. Allele origin: germline.
Comment: This sequence change replaces aspartic acid, which is acidic and polar, with asparagine, which is neutral and polar, at codon 538 of the CDH1 protein (p.Asp538Asn). This variant is not present in population databases (gnomAD no frequency). This missense change has been observed in individual(s) with breast cancer (PMID: 30287823). ClinVar contains an entry for this variant (Variation ID: 1172248). An algorithm developed to predict the effect of missense changes on protein structure and function (PolyPhen-2) suggests that this variant is likely to be disruptive. In summary, the available evidence is currently insufficient to determine the role of this variant in disease. Therefore, it has been classified as a Variant of Uncertain Significance.

Ambry Genetics
Classification: Likely benign for Hereditary cancer-predisposing syndrome. Last evaluated: 2025-07-10. Review status: criteria provided, single submitter. Criteria: Ambry Variant Classification Scheme 2023. Collection method: clinical testing. Allele origin: germline.

Color Diagnostics, LLC DBA Color Health
Classification: Uncertain significance for Hereditary cancer-predisposing syndrome. Last evaluated: 2020-10-07. Review status: criteria provided, single submitter. Criteria: ACMG Guidelines, 2015. Collection method: clinical testing. Allele origin: germline.
Comment: This missense variant replaces aspartic acid with asparagine at codon 538 of the CDH1 protein. To our knowledge, functional studies have not been reported for this variant. This variant has not been reported in individuals affected with hereditary cancer in the literature. This variant has not been identified in the general population by the Genome Aggregation Database (gnomAD). The available evidence is insufficient to determine the role of this variant in disease conclusively. Therefore, this variant is classified as a Variant of Uncertain Significance.

Literature cited by the submitters: PubMed 30287823 (cited by 3 submitters); PubMed 39831988 (cited by Women's Health and Genetics/Laboratory Corporation of America, LabCorp).

NM_004360.5(CDH1):c.1612G>A (p.Asp538Asn)

Gene: CDH1 (cadherin 1; plus strand). Cytogenetic location: 16q22.1.
Variant type: single nucleotide variant.
Coding change: c.1612G>A on transcript NM_004360.5 (MANE Select); coding-DNA position 1612, G replaced by A.
Protein change: p.Asp538Asn; replaces aspartic acid 538 with asparagine.
Molecular consequence: missense variant. On other transcripts: intron variant (1).
Genome position (GRCh38, 1-based): chr16:68,819,326, G>A. VCF-style: chr16-68819326-G-A. GRCh37 (hg19) VCF-style: chr16-68853229-G-A.
Other names: c.1429G>A, p.Asp477Asn (NM_001317184.2); c.64G>A, p.Asp22Asn (NM_001317185.2); c.-254-2675G>A (NM_001317186.2); short protein forms D22N, D477N, D538N.
Identifiers: ClinVar variation 1172248 (VCV001172248.13), dbSNP rs756154596, ClinGen allele CA396465049.
Genomic context (GRCh38, chr16:68,819,326, plus strand): 5'-TTGTCCCCGTTCAGATATCGGATTTGGAGAGACACTGCCAACTGGCTGGAGATTAATCCG[G>A]ACACTGGTGCCATTTCCACTCGGGCTGAGCTGGACAGGGAGGATTTTGAGCACGTGAAGA-3'
Protein context (NP_004351.1, residues 528-548): DTANWLEINP[Asp538Asn]TGAISTRAEL